The following is an entry in ClinVar:

ClinVar aggregate classification (germline): Uncertain significance (1 of 4 stars; one submission).

Allele frequency attached by ClinVar (database versions not stated): TOPMed below 0.00001; gnomAD exomes 0.00001.
gnomAD v4.1: 9 of 1,613,504 alleles (0.00056%); highest among the groups gnomAD compares: Non-Finnish European, 0.00076%; no homozygotes.

Submission:

GeneDx
Classification: Uncertain significance. Last evaluated: 2021-04-15. Review status: criteria provided, single submitter. Criteria: GeneDx Variant Classification Process June 2021. Collection method: clinical testing. Allele origin: germline. Affected: yes.
Comment: Not observed in large population cohorts (Lek et al., 2016); This substitution is predicted to be within the C-terminal cytoplasmic domain; In silico analysis supports that this missense variant has a deleterious effect on protein structure/function; Missense variants in this gene are often considered pathogenic (Stenson et al., 2014); Has not been previously published as pathogenic or benign to our knowledge

NM_001330260.2(SCN8A):c.5412G>C (p.Glu1804Asp)

Gene: SCN8A (sodium voltage-gated channel alpha subunit 8; plus strand). Cytogenetic location: 12q13.13.
Variant type: single nucleotide variant.
Coding change: c.5412G>C on transcript NM_001330260.2 (MANE Select); coding-DNA position 5412, G replaced by C.
Protein change: p.Glu1804Asp; replaces glutamic acid 1804 with aspartic acid.
Molecular consequence: missense variant.
Genome position (GRCh38, 1-based): chr12:51,806,898, G>C. VCF-style: chr12-51806898-G-C. GRCh37 (hg19) VCF-style: chr12-52200682-G-C.
Other names: c.5289G>C, p.Glu1763Asp (NM_001177984.3, NM_001369788.1); c.5412G>C, p.Glu1804Asp (NM_014191.4); short protein forms E1763D, E1804D.
Identifiers: ClinVar variation 1320497 (VCV001320497.2), dbSNP rs765354280, ClinGen allele CA236327630.
Genomic context (GRCh38, chr12:51,806,898, plus strand): 5'-CTTTGAGACCTTCTATGAGATCTGGGAGAAGTTCGACCCCGATGCCACCCAGTTCATTGA[G>C]TACTGTAAGCTGGCAGACTTTGCAGATGCCTTGGAGCATCCTCTCCGAGTGCCCAAGCCC-3'
Protein context (NP_001317189.1, residues 1794-1814): KFDPDATQFI[Glu1804Asp]YCKLADFADA